The following is an entry in ClinVar:

ClinVar aggregate classification (germline): Uncertain significance (1 of 4 stars; one submission).

Allele frequency attached by ClinVar (database versions not stated): gnomAD exomes below 0.00001.
gnomAD v4.1: 4 of 1,614,150 alleles (0.00025%); highest among the groups gnomAD compares: Non-Finnish European, 0.00025%; 1 homozygote.

Submission:

Labcorp Genetics (formerly Invitae), Labcorp
Classification: Uncertain significance. Last evaluated: 2023-08-10. Review status: criteria provided, single submitter. Criteria: Invitae Variant Classification Sherloc (09022015). Collection method: clinical testing. Allele origin: germline.
Comment: This sequence change replaces asparagine, which is neutral and polar, with aspartic acid, which is acidic and polar, at codon 829 of the JAK1 protein (p.Asn829Asp). This variant is not present in population databases (gnomAD no frequency). This variant has not been reported in the literature in individuals affected with JAK1-related conditions. Advanced modeling of protein sequence and biophysical properties (such as structural, functional, and spatial information, amino acid conservation, physicochemical variation, residue mobility, and thermodynamic stability) performed at Invitae indicates that this missense variant is not expected to disrupt JAK1 protein function. In summary, the available evidence is currently insufficient to determine the role of this variant in disease. Therefore, it has been classified as a Variant of Uncertain Significance.

NM_002227.4(JAK1):c.2485A>G (p.Asn829Asp)

Gene: JAK1 (Janus kinase 1; minus strand). Cytogenetic location: 1p31.3.
Variant type: single nucleotide variant.
Coding change: c.2485A>G on transcript NM_002227.4 (MANE Select); coding-DNA position 2485, A replaced by G.
Protein change: p.Asn829Asp; replaces asparagine 829 with aspartic acid.
Molecular consequence: missense variant.
Genome position (GRCh38, 1-based): chr1:64,841,520, T>C on the plus strand (A>G on the coding strand, the complement: JAK1 is on the minus strand). VCF-style: chr1-64841520-T-C. GRCh37 (hg19) VCF-style: chr1-65307203-T-C.
Other names: c.2485A>G, p.Asn829Asp (NM_001320923.2, NM_001321852.2, NM_001321853.2 and 3 more transcripts); c.2482A>G, p.Asn828Asp (NM_001321857.2); short protein forms N828D, N829D.
Identifiers: ClinVar variation 2902510 (VCV002902510.3), dbSNP rs2524036092, ClinGen allele CA340666182.
Genomic context (GRCh38, chr1:64,841,520, plus strand): 5'-CAAGCTTATTAATGTCTCTCATGATGGCTCGGAAGAAAGGCCTCTGATTGGGGTCATAGT[T>C]CATGCAGCGGGTCATGAGGTCAGCCAGCTCCTTACATGATGGTGTCACTGGCCTGCACCG-3'
Protein context (NP_002218.2, residues 819-839): ELADLMTRCM[Asn829Asp]YDPNQRPFFR